The following is an entry in ClinVar:

NM_004006.3(DMD):c.3529G>T (p.Glu1177Ter)

Gene: DMD (dystrophin; minus strand). Cytogenetic location: Xp21.1.
Variant type: single nucleotide variant.
Coding change: c.3529G>T on transcript NM_004006.3 (MANE Select); coding-DNA position 3529, G replaced by T.
Protein change: p.Glu1177Ter; replaces glutamic acid 1177 with a stop codon.
Molecular consequence: nonsense.
Genome position (GRCh38, 1-based): chrX:32,454,736, C>A on the plus strand (G>T on the coding strand, the complement: DMD is on the minus strand). VCF-style: chrX-32454736-C-A. GRCh37 (hg19) VCF-style: chrX-32472853-C-A.
Other names: c.3505G>T, p.Glu1169Ter (NM_000109.4); c.3517G>T, p.Glu1173Ter (NM_004009.3); c.3160G>T, p.Glu1054Ter (NM_004010.3); short protein forms E1177*, E1054*, E1169*, E1173*.
Identifiers: ClinVar variation 3642446 (VCV003642446.2).

ClinVar aggregate classification (germline): Pathogenic (1 of 4 stars; one submission).

Conditions:
Duchenne muscular dystrophy (DMD). Also called: MUSCULAR DYSTROPHY, PSEUDOHYPERTROPHIC PROGRESSIVE, DUCHENNE TYPE; Duchenne Muscular Dystrophy (DMD). Identifiers: Orphanet 98896, MedGen C0013264, MONDO:0010679, OMIM 310200.

Submission:

Labcorp Genetics (formerly Invitae), Labcorp
Classification: Pathogenic for Duchenne muscular dystrophy. Last evaluated: 2024-05-29. Review status: criteria provided, single submitter. Criteria: Invitae Variant Classification Sherloc (09022015). Collection method: clinical testing. Allele origin: germline.
Comment: This sequence change creates a premature translational stop signal (p.Glu1177*) in the DMD gene. It is expected to result in an absent or disrupted protein product. Loss-of-function variants in DMD are known to be pathogenic (PMID: 16770791, 25007885). This variant is not present in population databases (gnomAD no frequency). This variant has not been reported in the literature in individuals affected with DMD-related conditions. For these reasons, this variant has been classified as Pathogenic.

Literature cited by the submitters: PubMed 16770791; PubMed 25007885.